The following is an entry in ClinVar:

ClinVar aggregate classification (germline): Uncertain significance (1 of 4 stars; one submission).

Conditions:
Polyglandular autoimmune syndrome, type 1 (APS1). Also called: PGA I; APS I; Autoimmune polyendocrine syndrome type 1; Autoimmune polyendocrinopathy syndrome, type I; Autoimmune polyendocrinopathy syndrome , type I, with or without reversible metaphyseal dysplasia; AUTOIMMUNE POLYENDOCRINE SYNDROME, TYPE I, WITH OR WITHOUT REVERSIBLE METAPHYSEAL DYSPLASIA. Identifiers: Orphanet 3453, MedGen C0085859, MONDO:0009411, OMIM 240300.

Submission:

Labcorp Genetics (formerly Invitae), Labcorp
Classification: Uncertain significance for Polyglandular autoimmune syndrome, type 1. Last evaluated: 2021-04-16. Review status: criteria provided, single submitter. Criteria: Invitae Variant Classification Sherloc (09022015). Collection method: clinical testing. Allele origin: germline.
Comment: The frequency data for this variant in the population databases is considered unreliable, as metrics indicate insufficient coverage at this position in the ExAC database. This variant has not been reported in the literature in individuals with AIRE-related conditions. Algorithms developed to predict the effect of missense changes on protein structure and function are either unavailable or do not agree on the potential impact of this missense change (SIFT: "Not Available"; PolyPhen-2: "Possibly Damaging"; Align-GVGD: "Not Available"). In summary, the available evidence is currently insufficient to determine the role of this variant in disease. Therefore, it has been classified as a Variant of Uncertain Significance. This sequence change replaces alanine with leucine at codon 5 of the AIRE protein (p.Ala5Leu). The alanine residue is weakly conserved and there is a moderate physicochemical difference between alanine and leucine.

NM_000383.4(AIRE):c.13_14delinsTT (p.Ala5Leu)

Gene: AIRE (autoimmune regulator; plus strand). Cytogenetic location: 21q22.3.
Variant type: Indel.
Coding change: c.13_14delinsTT on transcript NM_000383.4 (MANE Select); coding-DNA positions 13 to 14, GC replaced by TT.
Protein change: p.Ala5Leu; replaces alanine 5 with leucine.
Molecular consequence: missense variant.
Genome position (GRCh38, 1-based): chr21:44,286,019-44,286,020, GC replaced by TT. VCF-style: chr21-44286019-GC-TT. GRCh37 (hg19) VCF-style: chr21-45705902-GC-TT.
Other names: short protein forms A5L.
Identifiers: ClinVar variation 1411056 (VCV001411056.6), dbSNP rs2146375021, ClinGen allele CA2573157672.
Genomic context (GRCh38, chr21:44,286,019, plus strand): 5'-CCGGGACCCACCGCGTCCGCCCCAGCCCCGGGTCCCCGCGCCCACCCCATGGCGACGGAC[GC>TT]GGCGCTACGCCGGCTTCTGAGGCTGCACCGCACGGAGATCGCGGTGGCCGTGGACAGCGC-3'
Protein context (NP_000374.1, residues 1-15): MATD[Ala5Leu]ALRRLLRLHR